The following is an entry in ClinVar:

NM_001098484.3(SLC4A4):c.865G>C (p.Val289Leu)

Gene: SLC4A4 (solute carrier family 4 member 4; plus strand). Cytogenetic location: 4q13.3.
Variant type: single nucleotide variant.
Coding change: c.865G>C on transcript NM_001098484.3 (MANE Select); coding-DNA position 865, G replaced by C.
Protein change: p.Val289Leu; replaces valine 289 with leucine.
Molecular consequence: missense variant.
Genome position (GRCh38, 1-based): chr4:71,440,673, G>C. VCF-style: chr4-71440673-G-C. GRCh37 (hg19) VCF-style: chr4-72306390-G-C.
Other names: c.865G>C, p.Val289Leu (NM_001134742.2); c.733G>C, p.Val245Leu (NM_003759.4); short protein forms V289L, V245L.
Identifiers: ClinVar variation 1396170 (VCV001396170.6), dbSNP rs2149058291, ClinGen allele CA357417442.

ClinVar aggregate classification (germline): Uncertain significance (1 of 4 stars; one submission).

Submission:

Labcorp Genetics (formerly Invitae), Labcorp
Classification: Uncertain significance. Last evaluated: 2026-01-05. Review status: criteria provided, single submitter. Criteria: Invitae Variant Classification Sherloc (09022015). Collection method: clinical testing. Allele origin: germline.
Comment: This sequence change replaces valine, which is neutral and non-polar, with leucine, which is neutral and non-polar, at codon 245 of the SLC4A4 protein (p.Val245Leu). This variant is not present in population databases (gnomAD no frequency). This variant has not been reported in the literature in individuals affected with SLC4A4-related conditions. ClinVar contains an entry for this variant (Variation ID: 1396170). An algorithm developed to predict the effect of missense changes on protein structure and function (PolyPhen-2) suggests that this variant is likely to be tolerated. In summary, the available evidence is currently insufficient to determine the role of this variant in disease. Therefore, it has been classified as a Variant of Uncertain Significance.